The following is an entry in ClinVar:

ClinVar aggregate classification (germline): Pathogenic. Review status: criteria provided, multiple submitters, no conflicts (2 of 4 stars). 3 submissions from 3 submitters: Pathogenic (3). Last evaluated 2025-06-12.

Conditions:
Duchenne muscular dystrophy (DMD). Also called: Duchenne Muscular Dystrophy (DMD); MUSCULAR DYSTROPHY, PSEUDOHYPERTROPHIC PROGRESSIVE, DUCHENNE TYPE. Identifiers: Orphanet 98896, MedGen C0013264, MONDO:0010679, OMIM 310200.

Submissions (3):

Revvity Omics, Revvity
Classification: Pathogenic. Last evaluated: 2025-06-12. Review status: criteria provided, single submitter. Criteria: ACMG Guidelines, 2015. Collection method: clinical testing. Allele origin: germline.

Labcorp Genetics (formerly Invitae), Labcorp
Classification: Pathogenic for Duchenne muscular dystrophy. Last evaluated: 2025-04-11. Review status: criteria provided, single submitter. Criteria: Invitae Variant Classification Sherloc (09022015). Collection method: clinical testing. Allele origin: germline.
Comment: This sequence change creates a premature translational stop signal (p.Leu1451Ilefs*18) in the DMD gene. It is expected to result in an absent or disrupted protein product. Loss-of-function variants in DMD are known to be pathogenic (PMID: 16770791, 25007885). This variant is present in population databases (rs772220893, gnomAD 0.001%). This premature translational stop signal has been observed in individual(s) with clinical features of DMD-related conditions (PMID: 27593222). ClinVar contains an entry for this variant (Variation ID: 803877). For these reasons, this variant has been classified as Pathogenic.

Mendelics
Classification: Pathogenic for Duchenne muscular dystrophy. Last evaluated: 2019-05-28. Review status: criteria provided, single submitter. Criteria: Mendelics Assertion Criteria 2017. Collection method: clinical testing. Allele origin: unknown.

Literature cited by the submitters: PubMed 16770791 (cited by Labcorp Genetics (formerly Invitae), Labcorp); PubMed 25007885 (cited by Labcorp Genetics (formerly Invitae), Labcorp); PubMed 27593222 (cited by Labcorp Genetics (formerly Invitae), Labcorp).

NM_004006.3(DMD):c.4350dup (p.Leu1451fs)

Gene: DMD (dystrophin; minus strand). Cytogenetic location: Xp21.1.
Variant type: Duplication.
Coding change: c.4350dup on transcript NM_004006.3 (MANE Select); coding-DNA position 4350, one base duplicated (A; older notation c.4350dupA).
Protein change: p.Leu1451fs; shifts the reading frame from leucine 1451.
Molecular consequence: frameshift variant.
Genome position (GRCh38, 1-based): chrX:32,389,669, T duplicated on the plus strand (A on the coding strand, the reverse complement: DMD is on the minus strand); the first of 6 consecutive T bases (chrX:32,389,669-32,389,674); duplicating any one gives the same sequence. VCF-style (leftmost placement, unchanged base first): chrX-32389668-A-AT. GRCh37 (hg19) VCF-style: chrX-32407785-A-AT.
Other names: c.4326dup, p.Leu1443fs (NM_000109.4); c.4338dup, p.Leu1447fs (NM_004009.3); c.3981dup, p.Leu1328fs (NM_004010.3); c.327dup, p.Leu110fs (NM_004011.4); c.318dup, p.Leu107fs (NM_004012.4); c.4350dup (NM_004006.2); short protein forms L1328fs, L1447fs, L110fs, L107fs, L1443fs, L1451fs.
Identifiers: ClinVar variation 803877 (VCV000803877.8), dbSNP rs772220893, ClinGen allele CA10378964.
Genomic context (GRCh38, chrX:32,389,668, plus strand): 5'-GACGCTGCTCAAAATTGGCTGGTTTCTGGAATAATCGAAACTTCATGGAGACATCTTGTA[A>AT]TTTTTTCTGTAAGGACAGTGTAAAAAGGCACTGATTTAATTTTGCCTTTCAAACAATAAC-3'